The following is an entry in ClinVar:

NM_005654.6(NR2F1):c.2T>A (p.Met1Lys)

Genes: NR2F1 (nuclear receptor subfamily 2 group F member 1; plus strand), NR2F1-AS1 (NR2F1 regulatory antisense RNA 1; minus strand). Cytogenetic location: 5q15.
Variant type: single nucleotide variant.
Coding change: c.2T>A on transcript NM_005654.6 (MANE Select); coding-DNA position 2, T replaced by A.
Protein change: p.Met1Lys; changes the start codon (methionine 1).
Molecular consequence: missense variant, initiator codon variant.
Genome position (GRCh38, 1-based): chr5:93,585,025, T>A. VCF-style: chr5-93585025-T-A. GRCh37 (hg19) VCF-style: chr5-92920731-T-A.
Other names: c.2T>A (NM_005654.5); short protein forms M1K.
Identifiers: ClinVar variation 3375751 (VCV003375751.2).

ClinVar aggregate classification (germline): Pathogenic/Likely pathogenic. Review status: criteria provided, multiple submitters, no conflicts (2 of 4 stars). 2 submissions from 2 submitters: Pathogenic (1); Likely pathogenic (1). Last evaluated 2026-08-06.

Conditions:
NR2F1-related disorder. Also called: NR2F1-related condition.

Submissions (2):

PreventionGenetics, part of Exact Sciences
Classification: Likely pathogenic for NR2F1-related condition. Last evaluated: 2026-08-06. Review status: criteria provided, single submitter. Criteria: ACMG Guidelines, 2015. Collection method: clinical testing. Allele origin: germline.
Comment: The NR2F1 c.2T>A variant is predicted to disrupt the translation initiation site (Start loss). To our knowledge, this variant has not been reported in the literature. Alternate nucleotide substitutions affecting the same initiation codon (c.1A>G and c.2T>C) have been reported as having arisen de novo in multiple individuals with Bosch–Boonstra–Schaaf optic atrophy syndrome (Rech et al. 2020. PubMed ID: 32275123; Bertacchi et al. 2020. PubMed ID: 32484994, Gazdagh et al. 2021. PubMed ID: 3478737). Moreover, a functional study using RT-PCR analysis of patient derived fibroblasts suggest the c.2T>C variant reduces protein expression compared to wildtype controls (Chen et al. 2016. PubMed ID: 26986877). This variant is absent in a large population database (gnomAD), indicating this variant is rare. Given the evidence, we interpreted the c.2T>A variant as likely pathogenic.

GeneDx
Classification: Pathogenic. Last evaluated: 2024-05-06. Review status: criteria provided, single submitter. Criteria: GeneDx Variant Classification Process June 2021. Collection method: clinical testing. Allele origin: germline. Affected: yes.
Comment: Initiation codon variant in a gene for which loss of function is a known mechanism of disease; Not observed at significant frequency in large population cohorts (gnomAD); Has not been previously published as pathogenic or benign to our knowledge